The following is an entry in ClinVar:

ClinVar aggregate classification (germline): Pathogenic (1 of 4 stars; one submission).

Conditions:
Nemaline myopathy 2 (NEM2). Also called: Nemaline myopathy 2, autosomal recessive. Identifiers: MedGen C1850569, MONDO:0009725, OMIM 256030.

Submission:

Myriad Genetics, Inc.
Classification: Pathogenic for Nemaline myopathy 2. Last evaluated: 2024-03-28. Review status: criteria provided, single submitter. Criteria: Myriad Autosomal Dominant, Autosomal Recessive and X-Linked Classification Criteria (2023). Collection method: clinical testing. Allele origin: unknown.
Comment: NM_001271208.1(NEB):c.6898delA(R2300Efs*36) is expected to be pathogenic in the context of NEB-related nemaline myopathy. This variant is predicted to lead to an abnormal or absent protein product due to the creation of a premature termination codon in NEB, a gene where loss-of-function variants are known to be pathogenic. Please note: this variant was assessed in the context of healthy population screening.

NM_001164508.2(NEB):c.6898del (p.Arg2300fs)

Gene: NEB (nebulin; minus strand). Cytogenetic location: 2q23.3.
Variant type: Deletion.
Coding change: c.6898del on transcript NM_001164508.2 (MANE Select); coding-DNA position 6898, one base deleted (A; older notation c.6898delA).
Protein change: p.Arg2300fs; shifts the reading frame from arginine 2300.
Molecular consequence: frameshift variant.
Genome position (GRCh38, 1-based): chr2:151,654,009, T deleted on the plus strand (A on the coding strand, the reverse complement: NEB is on the minus strand); the first of 2 consecutive T bases (chr2:151,654,009-151,654,010); deleting either gives the same sequence. VCF-style (leftmost placement, unchanged base first): chr2-151654008-CT-C. GRCh37 (hg19) VCF-style: chr2-152510522-CT-C.
Other names: c.6898del, p.Arg2300fs (NM_001164507.2, NM_001271208.2, NM_004543.5); short protein forms R2300fs.
Identifiers: ClinVar variation 5012869 (VCV005012869.1).